The following is an entry in ClinVar:

NM_001077365.2(POMT1):c.2137C>T (p.Arg713Cys)

Gene: POMT1 (protein O-mannosyltransferase 1; plus strand). Cytogenetic location: 9q34.13.
Variant type: single nucleotide variant.
Coding change: c.2137C>T on transcript NM_001077365.2 (MANE Select); coding-DNA position 2137, C replaced by T.
Protein change: p.Arg713Cys; replaces arginine 713 with cysteine.
Molecular consequence: missense variant. On other transcripts: non-coding transcript variant (10).
Genome position (GRCh38, 1-based): chr9:131,523,065, C>T. VCF-style: chr9-131523065-C-T. GRCh37 (hg19) VCF-style: chr9-134398452-C-T.
Other names: p.R735C:CGC>TGC; c.1975C>T, p.Arg659Cys (NM_001077366.2, NM_001353194.2); c.2137C>T, p.Arg713Cys (NM_001136113.2); c.1786C>T, p.Arg596Cys (NM_001136114.2, NM_001353195.2, NM_001374691.1 and 2 more transcripts); c.2203C>T, p.Arg735Cys (NM_001353193.2, NM_007171.4); c.2047C>T, p.Arg683Cys (NM_001353196.2); c.2041C>T, p.Arg681Cys (NM_001353197.2, NM_001353198.2); c.1852C>T, p.Arg618Cys (NM_001353199.2); and 4 more; short protein forms R735C, R713C, R659C, R561C, R596C, R683C, R618C, R681C.
Identifiers: ClinVar variation 95463 (VCV000095463.51), dbSNP rs147266709, ClinGen allele CA148553.

ClinVar aggregate classification (germline): Benign/Likely benign. Review status: criteria provided, multiple submitters, no conflicts (2 of 4 stars). 10 submissions from 10 submitters: Benign (5); Likely benign (5). Last evaluated 2026-02-04.

Conditions:
Autosomal recessive limb-girdle muscular dystrophy type 2K. Also called: MUSCULAR DYSTROPHY, LIMB-GIRDLE, TYPE 2K; MUSCULAR DYSTROPHY-DYSTROGLYCANOPATHY (LIMB-GIRDLE), TYPE C, 1. Identifiers: Orphanet 86812, MedGen C1836373, MONDO:0012248, OMIM 609308.
Walker-Warburg congenital muscular dystrophy. Also called: Muscular dystrophy-dystroglycanopathy, type A; Walker-Warburg syndrome. Identifiers: Orphanet 899, MedGen C0265221, MONDO:0000171.
Muscular dystrophy-dystroglycanopathy (congenital with impaired intellectual development), type B, 1. Also called: Muscular dystrophy-dystroglycanopathy (congenital with intellectual disability), type B1; MUSCULAR DYSTROPHY, CONGENITAL, POMT1-RELATED. Identifiers: MedGen C5436962, MONDO:0013159, OMIM 613155.

Allele frequency attached by ClinVar (database versions not stated): 1000 Genomes Project 0.00459; 1000 Genomes Project 30x 0.00468; gnomAD exomes 0.00868 and 0.01322; ExAC 0.00892; TOPMed 0.00930; gnomAD 0.00959 and 0.00982; ESP Exome Variant Server 0.01007.
gnomAD v4.1: 20,551 of 1,611,524 alleles (1.3%); highest among the groups gnomAD compares: Non-Finnish European, 1.6%; 192 homozygotes.

Submissions (10):

Labcorp Genetics (formerly Invitae), Labcorp
Classification: Benign for Muscular dystrophy-dystroglycanopathy (congenital with impaired intellectual development), type B, 1; Walker-Warburg congenital muscular dystrophy; Autosomal recessive limb-girdle muscular dystrophy type 2K. Last evaluated: 2026-02-04. Review status: criteria provided, single submitter. Criteria: Invitae Variant Classification Sherloc (09022015). Collection method: clinical testing. Allele origin: germline.

Blueprint Genetics
Classification: Likely benign. Last evaluated: 2024-11-27. Review status: criteria provided, single submitter. Criteria: ACMG Guidelines, 2015. Collection method: clinical testing. Allele origin: germline.

CeGaT Center for Human Genetics Tuebingen
Classification: Likely benign. Last evaluated: 2024-06-01. Review status: criteria provided, single submitter. Criteria: CeGaT Center For Human Genetics Tuebingen Variant Classification Criteria Version 2. Collection method: clinical testing. Allele origin: germline. Affected: yes. Observed: 21 variant alleles.
Comment: POMT1: PM5, BS1, BS2

Mayo Clinic Laboratories, Mayo Clinic
Classification: Benign. Last evaluated: 2018-12-26. Review status: criteria provided, single submitter. Criteria: ACMG Guidelines, 2015. Collection method: clinical testing. Allele origin: germline. Observed: 30 variant alleles.

Illumina Laboratory Services, Illumina
Classification: Likely benign for Autosomal recessive limb-girdle muscular dystrophy type 2K. Last evaluated: 2018-01-13. Review status: criteria provided, single submitter. Criteria: ICSL Variant Classification Criteria 13 December 2019. Collection method: clinical testing. Allele origin: germline.
Comment: This variant was observed in the ICSL laboratory as part of a predisposition screen in an ostensibly healthy population. It had not been previously curated by ICSL or reported in the Human Gene Mutation Database (HGMD: prior to June 1st, 2018), and was therefore a candidate for classification through an automated scoring system. Utilizing variant allele frequency, disease prevalence and penetrance estimates, and inheritance mode, an automated score was calculated to assess if this variant is too frequent to cause the disease. Based on the score and internal cut-off values, a variant classified as likely benign is not then subjected to further curation. The score for this variant resulted in a classification of likely benign for this disease.

GeneDx
Classification: Benign. Last evaluated: 2015-03-12. Review status: criteria provided, single submitter. Criteria: GeneDx Variant Classification (06012015). Collection method: clinical testing. Allele origin: germline. Affected: yes.
Comment: This variant is considered likely benign or benign based on one or more of the following criteria: it is a conservative change, it occurs at a poorly conserved position in the protein, it is predicted to be benign by multiple in silico algorithms, and/or has population frequency not consistent with disease.

Genetic Services Laboratory, University of Chicago
Classification: Benign for AllHighlyPenetrant. Last evaluated: 2013-06-11. Review status: criteria provided, single submitter. Criteria: ACMG Guidelines, 2007. Collection method: clinical testing. Allele origin: germline. Inheritance: Autosomal recessive inheritance.

Eurofins Ntd Llc (ga)
Classification: Benign. Last evaluated: 2012-07-09. Review status: criteria provided, single submitter. Criteria: EGL Classification Definitions 2015. Collection method: clinical testing. Allele origin: germline. Observed: 3 variant alleles, 3 heterozygotes.

Breakthrough Genomics
Classification: Likely benign. Review status: criteria provided, single submitter. Criteria: ACMG Guidelines, 2015. Collection method: not provided. Allele origin: germline. Inheritance: Autosomal recessive inheritance. Affected: yes.

PreventionGenetics, part of Exact Sciences
Classification: Likely benign. Review status: criteria provided, single submitter. Criteria: ACMG Guidelines, 2015. Collection method: clinical testing. Allele origin: germline.